The following is an entry in ClinVar:

NM_017780.4(CHD7):c.7900A>G (p.Asn2634Asp)

Gene: CHD7 (chromodomain helicase DNA binding protein 7; plus strand). Cytogenetic location: 8q12.2.
Variant type: single nucleotide variant.
Coding change: c.7900A>G on transcript NM_017780.4 (MANE Select); coding-DNA position 7900, A replaced by G.
Protein change: p.Asn2634Asp; replaces asparagine 2634 with aspartic acid.
Molecular consequence: missense variant.
Genome position (GRCh38, 1-based): chr8:60,862,265, A>G. VCF-style: chr8-60862265-A-G. GRCh37 (hg19) VCF-style: chr8-61774824-A-G.
Other names: c.1753A>G, p.Asn585Asp (NM_001316690.1); short protein forms N585D, N2634D.
Identifiers: ClinVar variation 2064781 (VCV002064781.4), dbSNP rs1385544270, ClinGen allele CA371305415.

ClinVar aggregate classification (germline): Uncertain significance (1 of 4 stars; one submission).

Conditions:
CHARGE syndrome (CHARGE). Also called: Hittner Hirsch Kreh syndrome; CHARGE ASSOCIATION--COLOBOMA, HEART ANOMALY, CHOANAL ATRESIA, RETARDATION, GENITAL AND EAR ANOMALIES; Coloboma, heart anomaly, choanal atresia, retardation, genital and ear anomalies; CHARGE association; Hall-Hittner syndrome. Identifiers: Orphanet 138, MedGen C0265354, MONDO:0008965.

Allele frequency attached by ClinVar (database versions not stated): gnomAD exomes below 0.00001; TOPMed below 0.00001.
gnomAD v4.1: 1 of 1,611,740 alleles (0.000062%); highest among the groups gnomAD compares: Non-Finnish European, 0.000085%; no homozygotes.

Submission:

Labcorp Genetics (formerly Invitae), Labcorp
Classification: Uncertain significance for CHARGE syndrome. Last evaluated: 2025-04-14. Review status: criteria provided, single submitter. Criteria: Invitae Variant Classification Sherloc (09022015). Collection method: clinical testing. Allele origin: germline.
Comment: This sequence change replaces asparagine, which is neutral and polar, with aspartic acid, which is acidic and polar, at codon 2634 of the CHD7 protein (p.Asn2634Asp). This variant is not present in population databases (gnomAD no frequency). This variant has not been reported in the literature in individuals affected with CHD7-related conditions. ClinVar contains an entry for this variant (Variation ID: 2064781). Invitae Evidence Modeling of protein sequence and biophysical properties (such as structural, functional, and spatial information, amino acid conservation, physicochemical variation, residue mobility, and thermodynamic stability) has been performed for this missense variant. However, the output from this modeling did not meet the statistical confidence thresholds required to predict the impact of this variant on CHD7 protein function. In summary, the available evidence is currently insufficient to determine the role of this variant in disease. Therefore, it has been classified as a Variant of Uncertain Significance.